The following is an entry in ClinVar:

NM_032408.4(BAZ1B):c.2202C>T (p.Thr734=)

Gene: BAZ1B (bromodomain adjacent to zinc finger domain 1B; minus strand). Cytogenetic location: 7q11.23.
Variant type: single nucleotide variant.
Coding change: c.2202C>T on transcript NM_032408.4 (MANE Select); coding-DNA position 2202, C replaced by T.
Protein change: p.Thr734=; no amino-acid change (threonine 734 retained).
Molecular consequence: synonymous variant.
Genome position (GRCh38, 1-based): chr7:73,477,259, G>A on the plus strand (C>T on the coding strand, the complement: BAZ1B is on the minus strand). VCF-style: chr7-73477259-G-A. GRCh37 (hg19) VCF-style: chr7-72891589-G-A.
Other names: c.2202C>T, p.Thr734= (NM_001370402.1).
Identifiers: ClinVar variation 717879 (VCV000717879.39), dbSNP rs147123661, ClinGen allele CA4287744.

ClinVar aggregate classification (germline): Benign/Likely benign. Review status: criteria provided, multiple submitters, no conflicts (2 of 4 stars). 3 submissions from 3 submitters: Benign (1); Likely benign (2). Last evaluated 2026-03-01.

Allele frequency attached by ClinVar (database versions not stated): 1000 Genomes Project 0.00040; 1000 Genomes Project 30x 0.00047; TOPMed 0.00134; ESP Exome Variant Server 0.00185; gnomAD exomes 0.00186 and 0.00205; ExAC 0.00196; gnomAD 0.00202 and 0.00216.
gnomAD v4.1: 2,977 of 1,614,154 alleles (0.18%); highest among the groups gnomAD compares: Non-Finnish European, 0.21%; 8 homozygotes.

Submissions (3):

CeGaT Center for Human Genetics Tuebingen
Classification: Likely benign. Last evaluated: 2026-03-01. Review status: criteria provided, single submitter. Criteria: CeGaT Center For Human Genetics Tuebingen Variant Classification Criteria Version 2. Collection method: clinical testing. Allele origin: germline. Affected: yes. Observed: 8 variant alleles.
Comment: BAZ1B: BP4, BP7

Labcorp Genetics (formerly Invitae), Labcorp
Classification: Benign. Last evaluated: 2019-12-31. Review status: criteria provided, single submitter. Criteria: Invitae Variant Classification Sherloc (09022015). Collection method: clinical testing. Allele origin: germline.

Breakthrough Genomics
Classification: Likely benign. Review status: criteria provided, single submitter. Criteria: ACMG Guidelines, 2015. Collection method: not provided. Allele origin: germline. Inheritance: Unknown mechanism. Affected: yes.